The following is an entry in ClinVar:

ClinVar aggregate classification (germline): Uncertain significance. Review status: criteria provided, multiple submitters, no conflicts (2 of 4 stars). 2 submissions from 2 submitters: Uncertain significance (2). Last evaluated 2025-01-23.

Conditions:
Dyskeratosis congenita. Identifiers: Orphanet 1775, MedGen C0265965, MONDO:0015780.

Allele frequency attached by ClinVar (database versions not stated): ExAC 0.00001; gnomAD exomes 0.00002; TOPMed 0.00002.
gnomAD v4.1: 26 of 1,614,162 alleles (0.0016%); highest among the groups gnomAD compares: Admixed American, 0.0033%; no homozygotes.

Submissions (2):

Labcorp Genetics (formerly Invitae), Labcorp
Classification: Uncertain significance for Dyskeratosis congenita. Last evaluated: 2025-01-23. Review status: criteria provided, single submitter. Criteria: Invitae Variant Classification Sherloc (09022015). Collection method: clinical testing. Allele origin: germline.
Comment: This sequence change replaces arginine, which is basic and polar, with histidine, which is basic and polar, at codon 1057 of the CTC1 protein (p.Arg1057His). This variant is present in population databases (rs776956576, gnomAD 0.006%). This variant has not been reported in the literature in individuals affected with CTC1-related conditions. ClinVar contains an entry for this variant (Variation ID: 863345). An algorithm developed to predict the effect of missense changes on protein structure and function outputs the following: PolyPhen-2: "Benign". The histidine amino acid residue is found in multiple mammalian species, which suggests that this missense change does not adversely affect protein function. In summary, the available evidence is currently insufficient to determine the role of this variant in disease. Therefore, it has been classified as a Variant of Uncertain Significance.

Blueprint Genetics
Classification: Uncertain significance. Last evaluated: 2024-05-23. Review status: criteria provided, single submitter. Criteria: ACMG Guidelines, 2015. Collection method: clinical testing. Allele origin: germline.

NM_025099.6(CTC1):c.3170G>A (p.Arg1057His)

Gene: CTC1 (CST telomere replication complex component 1; minus strand). Cytogenetic location: 17p13.1.
Variant type: single nucleotide variant.
Coding change: c.3170G>A on transcript NM_025099.6 (MANE Select); coding-DNA position 3170, G replaced by A.
Protein change: p.Arg1057His; replaces arginine 1057 with histidine.
Molecular consequence: missense variant.
Genome position (GRCh38, 1-based): chr17:8,229,193, C>T on the plus strand (G>A on the coding strand, the complement: CTC1 is on the minus strand). VCF-style: chr17-8229193-C-T. GRCh37 (hg19) VCF-style: chr17-8132511-C-T.
Other names: short protein forms R1057H.
Identifiers: ClinVar variation 863345 (VCV000863345.9), dbSNP rs776956576, ClinGen allele CA8371857.